The following is an entry in ClinVar:

ClinVar aggregate classification (germline): Uncertain significance (1 of 4 stars; one submission).

Allele frequency attached by ClinVar (database versions not stated): TOPMed below 0.00001; gnomAD 0.00001; gnomAD exomes 0.00003; ExAC 0.00007.
gnomAD v4.1: 40 of 1,614,084 alleles (0.0025%); highest among the groups gnomAD compares: South Asian, 0.042%; no homozygotes.

Submission:

Labcorp Genetics (formerly Invitae), Labcorp
Classification: Uncertain significance. Last evaluated: 2022-06-05. Review status: criteria provided, single submitter. Criteria: Invitae Variant Classification Sherloc (09022015). Collection method: clinical testing. Allele origin: germline.
Comment: This sequence change replaces alanine, which is neutral and non-polar, with serine, which is neutral and polar, at codon 364 of the BMP7 protein (p.Ala364Ser). This variant is present in population databases (rs748347077, gnomAD 0.04%). This variant has not been reported in the literature in individuals affected with BMP7-related conditions. Algorithms developed to predict the effect of missense changes on protein structure and function (SIFT, PolyPhen-2, Align-GVGD) all suggest that this variant is likely to be tolerated. In summary, the available evidence is currently insufficient to determine the role of this variant in disease. Therefore, it has been classified as a Variant of Uncertain Significance.

NM_001719.3(BMP7):c.1090G>T (p.Ala364Ser)

Gene: BMP7 (bone morphogenetic protein 7; minus strand). Cytogenetic location: 20q13.31.
Variant type: single nucleotide variant.
Coding change: c.1090G>T on transcript NM_001719.3 (MANE Select); coding-DNA position 1090, G replaced by T.
Protein change: p.Ala364Ser; replaces alanine 364 with serine.
Molecular consequence: missense variant.
Genome position (GRCh38, 1-based): chr20:57,173,256, C>A on the plus strand (G>T on the coding strand, the complement: BMP7 is on the minus strand). VCF-style: chr20-57173256-C-A. GRCh37 (hg19) VCF-style: chr20-55748312-C-A.
Other names: short protein forms A364S.
Identifiers: ClinVar variation 2066422 (VCV002066422.4), dbSNP rs748347077, ClinGen allele CA9919594.